The following is an entry in ClinVar:

ClinVar aggregate classification (germline): Uncertain significance (1 of 4 stars; one submission).

Submission:

GeneDx
Classification: Uncertain significance. Last evaluated: 2022-05-05. Review status: criteria provided, single submitter. Criteria: GeneDx Variant Classification Process June 2021. Collection method: clinical testing. Allele origin: germline. Affected: yes.
Comment: Not observed at significant frequency in large population cohorts (gnomAD); In silico analysis supports that this missense variant does not alter protein structure/function; Has not been previously published as pathogenic or benign to our knowledge

NM_052876.4(NACC1):c.313G>A (p.Gly105Ser)

Gene: NACC1 (nucleus accumbens associated 1; plus strand). Cytogenetic location: 19p13.13.
Variant type: single nucleotide variant.
Coding change: c.313G>A on transcript NM_052876.4 (MANE Select); coding-DNA position 313, G replaced by A.
Protein change: p.Gly105Ser; replaces glycine 105 with serine.
Molecular consequence: missense variant.
Genome position (GRCh38, 1-based): chr19:13,135,520, G>A. VCF-style: chr19-13135520-G-A. GRCh37 (hg19) VCF-style: chr19-13246334-G-A.
Other names: short protein forms G105S.
Identifiers: ClinVar variation 1722996 (VCV001722996.2), dbSNP rs2513135514, ClinGen allele CA404325065.